The following is an entry in ClinVar:

NM_201548.5(CERKL):c.613A>T (p.Ile205Leu)

Gene: CERKL (CERK like autophagy regulator; minus strand). Cytogenetic location: 2q31.3.
Variant type: single nucleotide variant.
Coding change: c.613A>T on transcript NM_201548.5 (MANE Select); coding-DNA position 613, A replaced by T.
Protein change: p.Ile205Leu; replaces isoleucine 205 with leucine.
Molecular consequence: missense variant. On other transcripts: nonsense (1), non-coding transcript variant (1), intron variant (2).
Genome position (GRCh38, 1-based): chr2:181,573,753, T>A on the plus strand (A>T on the coding strand, the complement: CERKL is on the minus strand). VCF-style: chr2-181573753-T-A. GRCh37 (hg19) VCF-style: chr2-182438480-T-A.
Other names: c.613A>T, p.Ile205Leu (NM_001030311.3); c.613A>T, p.Arg205Ter (NM_001030313.3); c.613A>T, p.Met205Leu (NM_001030315.1); c.482-24045A>T (NM_001030312.3); c.482-7632A>T (NM_001160277.2); short protein forms I205L, M205L, R205*.
Identifiers: ClinVar variation 2150068 (VCV002150068.2), dbSNP rs781442139, ClinGen allele CA2010775.

ClinVar aggregate classification (germline): Uncertain significance. Review status: criteria provided, multiple submitters, no conflicts (2 of 4 stars). 2 submissions from 2 submitters: Uncertain significance (2). Last evaluated 2024-07-18.

Allele frequency attached by ClinVar (database versions not stated): ExAC 0.00001; gnomAD exomes 0.00004; TOPMed 0.00004.
gnomAD v4.1: 58 of 1,611,600 alleles (0.0036%); highest among the groups gnomAD compares: Non-Finnish European, 0.0048%; no homozygotes.

Submissions (2):

Blueprint Genetics
Classification: Uncertain significance. Last evaluated: 2024-07-18. Review status: criteria provided, single submitter. Criteria: ACMG Guidelines, 2015. Collection method: clinical testing. Allele origin: germline.

Labcorp Genetics (formerly Invitae), Labcorp
Classification: Uncertain significance. Last evaluated: 2022-02-04. Review status: criteria provided, single submitter. Criteria: Invitae Variant Classification Sherloc (09022015). Collection method: clinical testing. Allele origin: germline.
Comment: This sequence change replaces isoleucine, which is neutral and non-polar, with leucine, which is neutral and non-polar, at codon 205 of the CERKL protein (p.Ile205Leu). This variant is present in population databases (rs781442139, gnomAD 0.004%). This variant has not been reported in the literature in individuals affected with CERKL-related conditions. Algorithms developed to predict the effect of missense changes on protein structure and function (SIFT, PolyPhen-2, Align-GVGD) all suggest that this variant is likely to be tolerated. Algorithms developed to predict the effect of sequence changes on RNA splicing suggest that this variant may disrupt the consensus splice site. In summary, the available evidence is currently insufficient to determine the role of this variant in disease. Therefore, it has been classified as a Variant of Uncertain Significance.